The following is an entry in ClinVar:

NM_020964.3(EPG5):c.6512A>G (p.His2171Arg)

Gene: EPG5 (ectopic P-granules 5 autophagy tethering factor; minus strand). Cytogenetic location: 18q12.3.
Variant type: single nucleotide variant.
Coding change: c.6512A>G on transcript NM_020964.3 (MANE Select); coding-DNA position 6512, A replaced by G.
Protein change: p.His2171Arg; replaces histidine 2171 with arginine.
Molecular consequence: missense variant.
Genome position (GRCh38, 1-based): chr18:45,866,907, T>C on the plus strand (A>G on the coding strand, the complement: EPG5 is on the minus strand). VCF-style: chr18-45866907-T-C. GRCh37 (hg19) VCF-style: chr18-43446872-T-C.
Other names: c.6512A>G, p.His2171Arg (LRG_1234t1); short protein forms H2171R.
Identifiers: ClinVar variation 643871 (VCV000643871.8), dbSNP rs369070714, ClinGen allele CA8948252.
Genomic context (GRCh38, chr18:45,866,907, plus strand): 5'-AGGAGCTTCATGATTAATTCAGCATAAGATTCTTTTGCCAGGATGATGGACGGCGGGTAA[T>C]GGCTGCTGAAATAACTTAGCACACTCTGGTACGACACAATATCCACAAGATGCCATGAAA-3'
Protein context (NP_066015.2, residues 2161-2181): YQSVLSYFSS[His2171Arg]YPPSIILAKE

ClinVar aggregate classification (germline): Uncertain significance. Review status: criteria provided, multiple submitters, no conflicts (2 of 4 stars). 3 submissions from 3 submitters: Uncertain significance (3). Last evaluated 2026-03-13.

Conditions:
Vici syndrome (VICIS). Identifiers: Orphanet 1493, MedGen C1855772, MONDO:0009452, OMIM 242840.

Allele frequency attached by ClinVar (database versions not stated): ExAC 0.00005; gnomAD 0.00006 and 0.00007; gnomAD exomes 0.00006 and 0.00010; TOPMed 0.00010; ESP Exome Variant Server 0.00017.
gnomAD v4.1: 152 of 1,614,022 alleles (0.0094%); highest among the groups gnomAD compares: Non-Finnish European, 0.012%; no homozygotes.

Submissions (3):

GeneDx
Classification: Uncertain significance. Last evaluated: 2026-03-13. Review status: criteria provided, single submitter. Criteria: GeneDx Variant Classification Process June 2021. Collection method: clinical testing. Allele origin: germline.
Comment: Not observed at significant frequency in large population cohorts (gnomAD); In silico analysis supports that this missense variant has a deleterious effect on protein structure/function; Has not been previously published as pathogenic or benign to our knowledge

Labcorp Genetics (formerly Invitae), Labcorp
Classification: Uncertain significance for Vici syndrome. Last evaluated: 2025-06-09. Review status: criteria provided, single submitter. Criteria: Invitae Variant Classification Sherloc (09022015). Collection method: clinical testing. Allele origin: germline.
Comment: This sequence change replaces histidine, which is basic and polar, with arginine, which is basic and polar, at codon 2171 of the EPG5 protein (p.His2171Arg). This variant is present in population databases (rs369070714, gnomAD 0.01%). This variant has not been reported in the literature in individuals affected with EPG5-related conditions. ClinVar contains an entry for this variant (Variation ID: 643871). Invitae Evidence Modeling of protein sequence and biophysical properties (such as structural, functional, and spatial information, amino acid conservation, physicochemical variation, residue mobility, and thermodynamic stability) indicates that this missense variant is not expected to disrupt EPG5 protein function with a negative predictive value of 80%. In summary, the available evidence is currently insufficient to determine the role of this variant in disease. Therefore, it has been classified as a Variant of Uncertain Significance.

Blueprint Genetics
Classification: Uncertain significance. Last evaluated: 2024-08-06. Review status: criteria provided, single submitter. Criteria: ACMG Guidelines, 2015. Collection method: clinical testing. Allele origin: germline.